The following is an entry in ClinVar:

ClinVar aggregate classification (germline): Uncertain significance (1 of 4 stars; one submission).

Conditions:
Hereditary cancer-predisposing syndrome. Also called: Hereditary Cancer Syndrome; Neoplastic Syndromes, Hereditary; Tumor predisposition; Hereditary neoplastic syndrome. Identifiers: Orphanet 140162, MedGen C0027672, MeSH D009386, MONDO:0015356.

Submission:

Labcorp Genetics (formerly Invitae), Labcorp
Classification: Uncertain significance for Hereditary cancer-predisposing syndrome. Last evaluated: 2023-07-26. Review status: criteria provided, single submitter. Criteria: Invitae Variant Classification Sherloc (09022015). Collection method: clinical testing. Allele origin: germline.
Comment: Advanced modeling of protein sequence and biophysical properties (such as structural, functional, and spatial information, amino acid conservation, physicochemical variation, residue mobility, and thermodynamic stability) performed at Invitae indicates that this missense variant is expected to disrupt RAD50 protein function. In summary, the available evidence is currently insufficient to determine the role of this variant in disease. Therefore, it has been classified as a Variant of Uncertain Significance. This variant has not been reported in the literature in individuals affected with RAD50-related conditions. This variant is not present in population databases (gnomAD no frequency). This sequence change replaces tyrosine, which is neutral and polar, with asparagine, which is neutral and polar, at codon 1155 of the RAD50 protein (p.Tyr1155Asn).

NM_005732.4(RAD50):c.3463T>A (p.Tyr1155Asn)

Genes: TH2LCRR (T helper type 2 locus control region associated RNA; minus strand), RAD50 (RAD50 double strand break repair protein; plus strand), TH2-LCR (Th2 cytokine locus control region; plus strand). Cytogenetic location: 5q31.1.
Variant type: single nucleotide variant.
Coding change: c.3463T>A on transcript NM_005732.4 (MANE Select); coding-DNA position 3463, T replaced by A.
Protein change: p.Tyr1155Asn; replaces tyrosine 1155 with asparagine.
Molecular consequence: missense variant.
Genome position (GRCh38, 1-based): chr5:132,637,188, T>A. VCF-style: chr5-132637188-T-A. GRCh37 (hg19) VCF-style: chr5-131972880-T-A.
Other names: short protein forms Y1155N.
Identifiers: ClinVar variation 2747012 (VCV002747012.3), dbSNP rs762302203, ClinGen allele CA360930466.